The following is an entry in ClinVar:

ClinVar aggregate classification (germline): Uncertain significance. Review status: criteria provided, multiple submitters, no conflicts (2 of 4 stars). 3 submissions from 3 submitters: Uncertain significance (3). Last evaluated 2021-07-15.

Conditions:
Rhabdoid tumor predisposition syndrome 2 (RTPS2). Identifiers: Orphanet 231108, Orphanet 69077, MedGen C2750074, MONDO:0013224, OMIM 613325.
Hereditary cancer-predisposing syndrome. Also called: Neoplastic Syndromes, Hereditary; Hereditary Cancer Syndrome; Tumor predisposition; Hereditary neoplastic syndrome. Identifiers: Orphanet 140162, MedGen C0027672, MeSH D009386, MONDO:0015356.
Intellectual disability, autosomal dominant 16 (CSS4). Also called: COFFIN-SIRIS SYNDROME 4. Identifiers: Orphanet 1465, MedGen C3553249, MONDO:0013821, OMIM 614609.

Submissions (3):

Genome-Nilou Lab
Classification: Uncertain significance for Intellectual disability, autosomal dominant 16. Last evaluated: 2021-07-15. Review status: criteria provided, single submitter. Criteria: ACMG Guidelines, 2015. Collection method: clinical testing. Allele origin: germline. Affected: no.

Labcorp Genetics (formerly Invitae), Labcorp
Classification: Uncertain significance for Rhabdoid tumor predisposition syndrome 2. Last evaluated: 2020-02-20. Review status: criteria provided, single submitter. Criteria: Invitae Variant Classification Sherloc (09022015). Collection method: clinical testing. Allele origin: germline.
Comment: In summary, the available evidence is currently insufficient to determine the role of this variant in disease. Therefore, it has been classified as a Variant of Uncertain Significance. This variant has not been reported in the literature in individuals with SMARCA4-related disease. This variant is not present in population databases (ExAC no frequency). This sequence change replaces proline with histidine at codon 7 of the SMARCA4 protein (p.Pro7His). The proline residue is highly conserved and there is a moderate physicochemical difference between proline and histidine.

Ambry Genetics
Classification: Uncertain significance for Hereditary cancer-predisposing syndrome. Last evaluated: 2019-02-27. Review status: criteria provided, single submitter. Criteria: Ambry Variant Classification Scheme 2023. Collection method: clinical testing. Allele origin: germline.
Comment: The p.P7H variant (also known as c.20C>A), located in coding exon 1 of the SMARCA4 gene, results from a C to A substitution at nucleotide position 20. The proline at codon 7 is replaced by histidine, an amino acid with similar properties. This amino acid position is highly conserved in available vertebrate species. In addition, the in silico prediction for this alteration is inconclusive. Since supporting evidence is limited at this time, the clinical significance of this alteration remains unclear.

NM_003072.5(SMARCA4):c.20C>A (p.Pro7His)

Gene: SMARCA4 (SWI/SNF related BAF chromatin remodeling complex subunit ATPase 4; plus strand). Cytogenetic location: 19p13.2.
Variant type: single nucleotide variant.
Coding change: c.20C>A on transcript NM_003072.5 (MANE Select); coding-DNA position 20, C replaced by A.
Protein change: p.Pro7His; replaces proline 7 with histidine.
Molecular consequence: missense variant. On other transcripts: non-coding transcript variant (1).
Genome position (GRCh38, 1-based): chr19:10,984,171, C>A. VCF-style: chr19-10984171-C-A. GRCh37 (hg19) VCF-style: chr19-11094847-C-A.
Other names: c.20C>A, p.Pro7His (NM_001128844.3, NM_001128845.2, NM_001128846.2 and 5 more transcripts); short protein forms P7H.
Identifiers: ClinVar variation 573209 (VCV000573209.15), dbSNP rs1568416569, ClinGen allele CA404053888.
Genomic context (GRCh38, chr19:10,984,171, plus strand): 5'-TGTCTTCCAGCAGGAGGCCACTGTCTGCAGCTCCCGTGAAGATGTCCACTCCAGACCCAC[C>A]CCTGGGCGGAACTCCTCGGCCAGGTCCTTCCCCGGGCCCTGGCCCTTCCCCTGGAGCCAT-3'
Protein context (NP_003063.2, residues 1-17): MSTPDP[Pro7His]LGGTPRPGPS